The following is an entry in ClinVar:

NM_004928.3(CFAP410):c.331_342dup (p.Thr114_Leu115insValLeuArgThr)

Gene: CFAP410 (cilia and flagella associated protein 410; minus strand). Cytogenetic location: 21q22.3.
Variant type: Duplication.
Coding change: c.331_342dup on transcript NM_004928.3 (MANE Select); coding-DNA positions 331 to 342, 12 bases duplicated (GTGCTGCGCACC).
Protein change: p.Thr114_Leu115insValLeuArgThr.
Molecular consequence: inframe insertion.
Genome position (GRCh38, 1-based): chr21:44,333,064-44,333,075, GGTGCGCAGCAC duplicated on the plus strand (GTGCTGCGCACC on the coding strand, the reverse complement: CFAP410 is on the minus strand); duplicating any 12 consecutive bases within chr21:44,333,064-44,333,078 gives the same sequence; the c. name uses the placement nearest the transcript's 3' end. VCF-style (leftmost placement, unchanged base first): chr21-44333063-G-GGGTGCGCAGCAC. GRCh37 (hg19) VCF-style: chr21-45752946-G-GGGTGCGCAGCAC.
Other names: c.331_342dup, p.Thr114_Leu115insValLeuArgThr (NM_001271440.2, NM_001271441.2); c.208_219dup, p.Thr73_Leu74insValLeuArgThr (NM_001271442.1).
Identifiers: ClinVar variation 1805439 (VCV001805439.1), dbSNP rs2518051998, ClinGen allele CA2573102945.

ClinVar aggregate classification (germline): Uncertain significance (1 of 4 stars; one submission).

Conditions:
Retinal dystrophy with or without macular staphyloma. Identifiers: Orphanet 653709, MedGen C4479651, MONDO:0060507, OMIM 617547.

Submission:

Victorian Clinical Genetics Services, Murdoch Childrens Research Institute
Classification: Uncertain significance for Retinal dystrophy with or without macular staphyloma. Last evaluated: 2022-03-31. Review status: criteria provided, single submitter. Criteria: ACMG Guidelines, 2015. Collection method: clinical testing. Allele origin: germline. Inheritance: Autosomal recessive inheritance.
Comment: Based on the classification scheme VCGS_Germline_v1.3.4, this variant is classified as VUS-3A. Following criteria are met: 0102 - Loss of function is a known mechanism of disease in this gene and is associated with retinal dystrophy with macular staphyloma (MIM#617547) and axial spondylometaphyseal dysplasia (MIM#602271). (I) 0106 - This gene is associated with autosomal recessive disease. (I) 0213 - In-frame insertion in a non-repetitive region that has high conservation. (SP) 0252 - This variant is homozygous. (I) 0301 - Variant is absent from gnomAD (both v2 and v3). (SP) 0600 - Variant is located in the annotated leucine-rich repeat C-terminal (LRRCT) domain (PMID: 34915818). (I) 0705 - No comparable insertion variants have previous evidence for pathogenicity. However, p.(Thr114_Arg117dup) has been reported as homozygous in an individual with childhood-onset retinal dystrophy without other systemic symptoms (PMID: 34915818). (I) 0807 - This variant has no previous evidence of pathogenicity. (I) 0905 - No published segregation evidence has been identified for this variant. (I) 1007 - No published functional evidence has been identified for this variant. (I) 1208 - Inheritance information for this variant is not currently available in this individual. (I) Legend: (SP) - Supporting pathogenic, (I) - Information, (SB) - Supporting benign

Literature cited by the submitters: PubMed 34915818.